The following is an entry in ClinVar:

NM_001353921.2(ARHGEF9):c.569G>A (p.Cys190Tyr)

Gene: ARHGEF9 (Cdc42 guanine nucleotide exchange factor 9; minus strand). Cytogenetic location: Xq11.1.
Variant type: single nucleotide variant.
Coding change: c.569G>A on transcript NM_001353921.2 (MANE Select); coding-DNA position 569, G replaced by A.
Protein change: p.Cys190Tyr; replaces cysteine 190 with tyrosine.
Molecular consequence: missense variant.
Genome position (GRCh38, 1-based): chrX:63,697,138, C>T on the plus strand (G>A on the coding strand, the complement: ARHGEF9 is on the minus strand). VCF-style: chrX-63697138-C-T. GRCh37 (hg19) VCF-style: chrX-62917018-C-T.
Other names: c.389G>A, p.Cys130Tyr (NM_001173479.2); c.242G>A, p.Cys81Tyr (NM_001173480.2, NM_001369042.1); c.485G>A, p.Cys162Tyr (NM_001330495.2, NM_001353927.2, NM_001369033.1 and 8 more transcripts); c.569G>A, p.Cys190Tyr (NM_001353922.2); c.587G>A, p.Cys196Tyr (NM_001353923.1); c.368G>A, p.Cys123Tyr (NM_001353924.2, NM_001353926.2, NM_001369039.1 and 1 more transcripts); c.548G>A, p.Cys183Tyr (NM_001353928.2, NM_001369030.1, NM_001369031.1 and 2 more transcripts); c.134G>A, p.Cys45Tyr (NM_001369045.1); short protein forms C123Y, C130Y, C162Y, C183Y, C190Y, C196Y, C45Y, C81Y.
Identifiers: ClinVar variation 1718580 (VCV001718580.6), dbSNP rs2519842865, ClinGen allele CA413406842.

ClinVar aggregate classification (germline): Uncertain significance (1 of 4 stars; one submission).

Conditions:
Developmental and epileptic encephalopathy, 8 (DEE8). Also called: HYPEREKPLEXIA AND EPILEPSY. Identifiers: Orphanet 163985, Orphanet 2076, MedGen C1845102, MONDO:0010375, OMIM 300607.

Submission:

Labcorp Genetics (formerly Invitae), Labcorp
Classification: Uncertain significance for Developmental and epileptic encephalopathy, 8. Last evaluated: 2022-09-01. Review status: criteria provided, single submitter. Criteria: Invitae Variant Classification Sherloc (09022015). Collection method: clinical testing. Allele origin: germline.
Comment: In summary, the available evidence is currently insufficient to determine the role of this variant in disease. Therefore, it has been classified as a Variant of Uncertain Significance. Algorithms developed to predict the effect of missense changes on protein structure and function (SIFT, PolyPhen-2, Align-GVGD) all suggest that this variant is likely to be disruptive. This variant has not been reported in the literature in individuals affected with ARHGEF9-related conditions. This variant is not present in population databases (gnomAD no frequency). This sequence change replaces cysteine, which is neutral and slightly polar, with tyrosine, which is neutral and polar, at codon 183 of the ARHGEF9 protein (p.Cys183Tyr).